The following is an entry in ClinVar:

ClinVar aggregate classification (germline): Uncertain significance (1 of 4 stars; one submission).

Conditions:
Werner syndrome (WRN). Identifiers: Orphanet 902, MedGen C0043119, MONDO:0010196, OMIM 277700.

Submission:

Labcorp Genetics (formerly Invitae), Labcorp
Classification: Uncertain significance for Werner syndrome. Last evaluated: 2023-11-10. Review status: criteria provided, single submitter. Criteria: Invitae Variant Classification Sherloc (09022015). Collection method: clinical testing. Allele origin: germline.
Comment: This sequence change replaces methionine, which is neutral and non-polar, with valine, which is neutral and non-polar, at codon 1289 of the WRN protein (p.Met1289Val). This variant is not present in population databases (gnomAD no frequency). This variant has not been reported in the literature in individuals affected with WRN-related conditions. An algorithm developed to predict the effect of missense changes on protein structure and function (PolyPhen-2) suggests that this variant is likely to be tolerated. In summary, the available evidence is currently insufficient to determine the role of this variant in disease. Therefore, it has been classified as a Variant of Uncertain Significance.

NM_000553.6(WRN):c.3865A>G (p.Met1289Val)

Gene: WRN (WRN RecQ like helicase; plus strand). Cytogenetic location: 8p12.
Variant type: single nucleotide variant.
Coding change: c.3865A>G on transcript NM_000553.6 (MANE Select); coding-DNA position 3865, A replaced by G.
Protein change: p.Met1289Val; replaces methionine 1289 with valine.
Molecular consequence: missense variant.
Genome position (GRCh38, 1-based): chr8:31,157,413, A>G. VCF-style: chr8-31157413-A-G. GRCh37 (hg19) VCF-style: chr8-31014929-A-G.
Other names: short protein forms M1289V.
Identifiers: ClinVar variation 2875898 (VCV002875898.3), dbSNP rs1803428016, ClinGen allele CA370929366.